The following is an entry in ClinVar:

ClinVar aggregate classification (germline): Uncertain significance (1 of 4 stars; one submission).

Conditions:
Cardiovascular phenotype. Identifiers: MedGen CN230736.

Allele frequency attached by ClinVar (database versions not stated): TOPMed 0.00001; ExAC 0.00002; gnomAD exomes 0.00001.
gnomAD v4.1: 8 of 1,612,756 alleles (0.0005%); highest among the groups gnomAD compares: Admixed American, 0.005%; no homozygotes.

Submission:

Ambry Genetics
Classification: Uncertain significance for Cardiovascular phenotype. Last evaluated: 2025-05-05. Review status: criteria provided, single submitter. Criteria: Ambry Variant Classification Scheme 2023. Collection method: clinical testing. Allele origin: germline.
Comment: The p.I235V variant (also known as c.703A>G), located in coding exon 7 of the TECRL gene, results from an A to G substitution at nucleotide position 703. The isoleucine at codon 235 is replaced by valine, an amino acid with highly similar properties. This amino acid position is conserved. In addition, this alteration is predicted to be tolerated by in silico analysis. Since supporting evidence is limited at this time, the clinical significance of this alteration remains unclear.

NM_001010874.5(TECRL):c.703A>G (p.Ile235Val)

Gene: TECRL (trans-2,3-enoyl-CoA reductase like; minus strand). Cytogenetic location: 4q13.1.
Variant type: single nucleotide variant.
Coding change: c.703A>G on transcript NM_001010874.5 (MANE Select); coding-DNA position 703, A replaced by G.
Protein change: p.Ile235Val; replaces isoleucine 235 with valine.
Molecular consequence: missense variant.
Genome position (GRCh38, 1-based): chr4:64,305,193, T>C on the plus strand (A>G on the coding strand, the complement: TECRL is on the minus strand). VCF-style: chr4-64305193-T-C. GRCh37 (hg19) VCF-style: chr4-65170911-T-C.
Other names: c.703A>G, p.Ile235Val (NM_001363796.1); short protein forms I235V.
Identifiers: ClinVar variation 1756819 (VCV001756819.3), dbSNP rs755146287, ClinGen allele CA2935423.